The following is an entry in ClinVar:

ClinVar aggregate classification (germline): Uncertain significance. Review status: criteria provided, multiple submitters, no conflicts (2 of 4 stars). 3 submissions from 3 submitters: Uncertain significance (3). Last evaluated 2026-02-04.

Conditions:
Hereditary cancer-predisposing syndrome. Also called: Tumor predisposition; Hereditary neoplastic syndrome; Hereditary Cancer Syndrome; Neoplastic Syndromes, Hereditary. Identifiers: Orphanet 140162, MedGen C0027672, MeSH D009386, MONDO:0015356.
Familial cancer of breast. Also called: BREAST CANCER, FAMILIAL; Hereditary breast cancer; hereditary breast carcinoma. Identifiers: Orphanet 227535, MedGen C0346153, MONDO:0016419, OMIM 114480. Disease mechanism: loss of function.

Submissions (3):

Ambry Genetics
Classification: Uncertain significance for Hereditary cancer-predisposing syndrome. Last evaluated: 2026-02-04. Review status: criteria provided, single submitter. Criteria: Ambry Variant Classification Scheme 2023. Collection method: clinical testing. Allele origin: germline.
Comment: The p.I56S variant (also known as c.167T>G), located in coding exon 2 of the BARD1 gene, results from a T to G substitution at nucleotide position 167. The isoleucine at codon 56 is replaced by serine, an amino acid with dissimilar properties. This amino acid position is well conserved in available vertebrate species. In addition, the in silico prediction for this alteration is inconclusive. Based on the available evidence, the clinical significance of this variant remains unclear.

Color Diagnostics, LLC DBA Color Health
Classification: Uncertain significance for Hereditary cancer-predisposing syndrome. Last evaluated: 2023-12-05. Review status: criteria provided, single submitter. Criteria: ACMG Guidelines, 2015. Collection method: clinical testing. Allele origin: germline.
Comment: This missense variant replaces isoleucine with serine at codon 56 of the BARD1 protein. Computational prediction is inconclusive regarding the impact of this variant on protein structure and function (internally defined REVEL score threshold 0.5 < inconclusive < 0.7, PMID: 27666373). To our knowledge, functional studies have not been reported for this variant. This variant has not been reported in individuals affected with BARD1-related disorders in the literature. This variant has not been identified in the general population by the Genome Aggregation Database (gnomAD). The available evidence is insufficient to determine the role of this variant in disease conclusively. Therefore, this variant is classified as a Variant of Uncertain Significance.

Labcorp Genetics (formerly Invitae), Labcorp
Classification: Uncertain significance for Familial cancer of breast. Last evaluated: 2023-08-17. Review status: criteria provided, single submitter. Criteria: Invitae Variant Classification Sherloc (09022015). Collection method: clinical testing. Allele origin: germline.
Comment: This variant is not present in population databases (gnomAD no frequency). This sequence change replaces isoleucine, which is neutral and non-polar, with serine, which is neutral and polar, at codon 56 of the BARD1 protein (p.Ile56Ser). In summary, the available evidence is currently insufficient to determine the role of this variant in disease. Therefore, it has been classified as a Variant of Uncertain Significance. This variant has not been reported in the literature in individuals affected with BARD1-related conditions. ClinVar contains an entry for this variant (Variation ID: 920123). An algorithm developed to predict the effect of missense changes on protein structure and function (PolyPhen-2) suggests that this variant is likely to be disruptive.

NM_000465.4(BARD1):c.167T>G (p.Ile56Ser)

Gene: BARD1 (BRCA1 associated RING domain 1; minus strand). Cytogenetic location: 2q35.
Variant type: single nucleotide variant.
Coding change: c.167T>G on transcript NM_000465.4 (MANE Select); coding-DNA position 167, T replaced by G.
Protein change: p.Ile56Ser; replaces isoleucine 56 with serine.
Molecular consequence: missense variant. On other transcripts: non-coding transcript variant (2), intron variant (2).
Genome position (GRCh38, 1-based): chr2:214,797,109, A>C on the plus strand (T>G on the coding strand, the complement: BARD1 is on the minus strand). VCF-style: chr2-214797109-A-C. GRCh37 (hg19) VCF-style: chr2-215661833-A-C.
Other names: c.167T>G, p.Ile56Ser (NM_001282545.2, NM_001282549.2); c.158+12303T>G (NM_001282548.2); c.159-4664T>G (NM_001282543.2); c.167T>G (NM_000465.2); short protein forms I56S.
Identifiers: ClinVar variation 920123 (VCV000920123.10), dbSNP rs1695794895, ClinGen allele CA350462318.